The following is an entry in ClinVar:

ClinVar aggregate classification (germline): Conflicting classifications of pathogenicity. Review status: criteria provided, conflicting classifications (1 of 4 stars). 2 submissions from 2 submitters: Uncertain significance (1); Benign (1). Last evaluated 2024-04-28.

Conditions:
Tuberous sclerosis 2 (TSC2). Identifiers: Orphanet 805, MedGen C1860707, MONDO:0013199, OMIM 613254.
Hereditary cancer-predisposing syndrome. Also called: Tumor predisposition; Neoplastic Syndromes, Hereditary; Hereditary Cancer Syndrome; Hereditary neoplastic syndrome. Identifiers: Orphanet 140162, MedGen C0027672, MeSH D009386, MONDO:0015356.

Allele frequency attached by ClinVar (database versions not stated): ExAC 0.00001.
gnomAD v4.1: 1 of 1,613,818 alleles (0.000062%); highest among the groups gnomAD compares: Non-Finnish European, 0.000085%; no homozygotes.

Submissions (2):

Labcorp Genetics (formerly Invitae), Labcorp
Classification: Benign for Tuberous sclerosis 2. Last evaluated: 2024-04-28. Review status: criteria provided, single submitter. Criteria: Invitae Variant Classification Sherloc (09022015). Collection method: clinical testing. Allele origin: germline.

Ambry Genetics
Classification: Uncertain significance for Hereditary cancer-predisposing syndrome. Last evaluated: 2022-05-29. Review status: criteria provided, single submitter. Criteria: Ambry Variant Classification Scheme 2023. Collection method: clinical testing. Allele origin: germline.
Comment: The p.L557S variant (also known as c.1670T>C), located in coding exon 15 of the TSC2 gene, results from a T to C substitution at nucleotide position 1670. The leucine at codon 557 is replaced by serine, an amino acid with dissimilar properties. This amino acid position is conserved. In addition, this alteration is predicted to be deleterious by in silico analysis. Since supporting evidence is limited at this time, the clinical significance of this alteration remains unclear.

NM_000548.5(TSC2):c.1670T>C (p.Leu557Ser)

Gene: TSC2 (TSC complex subunit 2; plus strand). Cytogenetic location: 16p13.3.
Variant type: single nucleotide variant.
Coding change: c.1670T>C on transcript NM_000548.5 (MANE Select); coding-DNA position 1670, T replaced by C.
Protein change: p.Leu557Ser; replaces leucine 557 with serine.
Molecular consequence: missense variant.
Genome position (GRCh38, 1-based): chr16:2,065,589, T>C. VCF-style: chr16-2065589-T-C. GRCh37 (hg19) VCF-style: chr16-2115590-T-C.
Other names: c.1670T>C, p.Leu557Ser (NM_001077183.3, NM_001114382.3, NM_001363528.2 and 6 more transcripts); c.1559T>C, p.Leu520Ser (NM_001318827.2, NM_001406670.1, NM_001406678.1); c.1523T>C, p.Leu508Ser (NM_001318829.2, NM_001406675.1, NM_001406676.1 and 1 more transcripts); c.1070T>C, p.Leu357Ser (NM_001318831.2, NM_001406687.1, NM_001406688.1 and 6 more transcripts); c.1703T>C, p.Leu568Ser (NM_001318832.2); c.1760T>C, p.Leu587Ser (NM_001406667.1, NM_001406668.1); c.1658T>C, p.Leu553Ser (NM_001406671.1, NM_001406673.1); c.326T>C, p.Leu109Ser (NM_001406689.1, NM_001406690.1, NM_001406691.1 and 6 more transcripts); and 3 more; short protein forms L109S, L520S, L553S, L557S, L568S, L538S, L23S, L403S.
Identifiers: ClinVar variation 1777682 (VCV001777682.5), dbSNP rs751618728, ClinGen allele CA032166.